The following is an entry in ClinVar:

ClinVar aggregate classification (germline): Uncertain significance (1 of 4 stars; one submission).

Conditions:
Inborn genetic diseases. Identifiers: MedGen C0950123, MeSH D030342.

Submission:

Ambry Genetics
Classification: Uncertain significance for Inborn genetic diseases. Last evaluated: 2024-01-17. Review status: criteria provided, single submitter. Criteria: Ambry Variant Classification Scheme 2023. Collection method: clinical testing. Allele origin: germline.
Comment: The c.2641G>A (p.A881T) alteration is located in exon 17 (coding exon 15) of the SCN3A gene. This alteration results from a G to A substitution at nucleotide position 2641, causing the alanine (A) at amino acid position 881 to be replaced by a threonine (T). This variant was not reported in population-based cohorts in the Genome Aggregation Database (gnomAD). This amino acid position is highly conserved in available vertebrate species. This missense alteration is located in a region that has a low rate of benign missense variation (Lek, 2016; Firth, 2009). This alteration is predicted to be deleterious by in silico analysis. Based on insufficient or conflicting evidence, the clinical significance of this alteration remains unclear.

NM_006922.4(SCN3A):c.2641G>A (p.Ala881Thr)

Gene: SCN3A (sodium voltage-gated channel alpha subunit 3; minus strand). Cytogenetic location: 2q24.3.
Variant type: single nucleotide variant.
Coding change: c.2641G>A on transcript NM_006922.4 (MANE Select); coding-DNA position 2641, G replaced by A.
Protein change: p.Ala881Thr; replaces alanine 881 with threonine.
Molecular consequence: missense variant.
Genome position (GRCh38, 1-based): chr2:165,130,221, C>T on the plus strand (G>A on the coding strand, the complement: SCN3A is on the minus strand). VCF-style: chr2-165130221-C-T. GRCh37 (hg19) VCF-style: chr2-165986731-C-T.
Other names: c.2494G>A, p.Ala832Thr (NM_001081676.2, NM_001081677.2); short protein forms A881T, A832T.
Identifiers: ClinVar variation 2227381 (VCV002227381.2), dbSNP rs2468251973, ClinGen allele CA349042862.